The following is an entry in ClinVar:

ClinVar aggregate classification (germline): Uncertain significance. Review status: criteria provided, multiple submitters, no conflicts (2 of 4 stars). 2 submissions from 2 submitters: Uncertain significance (2). Last evaluated 2026-07-07.

Conditions:
Hereditary cancer-predisposing syndrome. Also called: Neoplastic Syndromes, Hereditary; Hereditary Cancer Syndrome; Hereditary neoplastic syndrome; Tumor predisposition. Identifiers: Orphanet 140162, MedGen C0027672, MeSH D009386, MONDO:0015356.
Oligodontia-cancer predisposition syndrome. Also called: TOOTH AGENESIS-COLORECTAL CANCER SYNDROME. Identifiers: Orphanet 300576, MedGen C1837750, MONDO:0012075, OMIM 608615. Disease mechanism: loss of function.

Submissions (2):

Ambry Genetics
Classification: Uncertain significance for Hereditary cancer-predisposing syndrome. Last evaluated: 2026-07-07. Review status: criteria provided, single submitter. Criteria: Ambry Variant Classification Scheme 2023. Collection method: clinical testing. Allele origin: germline.
Comment: The p.A705V variant (also known as c.2114C>T), located in coding exon 7 of the AXIN2 gene, results from a C to T substitution at nucleotide position 2114. The alanine at codon 705 is replaced by valine, an amino acid with similar properties. This amino acid position is conserved. In addition, this alteration is predicted to be tolerated by in silico analysis. Based on the available evidence, the clinical significance of this variant remains unclear.

Labcorp Genetics (formerly Invitae), Labcorp
Classification: Uncertain significance for Oligodontia-cancer predisposition syndrome. Last evaluated: 2022-08-19. Review status: criteria provided, single submitter. Criteria: Invitae Variant Classification Sherloc (09022015). Collection method: clinical testing. Allele origin: germline.
Comment: In summary, the available evidence is currently insufficient to determine the role of this variant in disease. Therefore, it has been classified as a Variant of Uncertain Significance. Algorithms developed to predict the effect of missense changes on protein structure and function (SIFT, PolyPhen-2, Align-GVGD) all suggest that this variant is likely to be tolerated. ClinVar contains an entry for this variant (Variation ID: 657360). This variant has not been reported in the literature in individuals affected with AXIN2-related conditions. This variant is not present in population databases (gnomAD no frequency). This sequence change replaces alanine, which is neutral and non-polar, with valine, which is neutral and non-polar, at codon 705 of the AXIN2 protein (p.Ala705Val).

NM_004655.4(AXIN2):c.2114C>T (p.Ala705Val)

Gene: AXIN2 (axin 2; minus strand). Cytogenetic location: 17q24.1.
Variant type: single nucleotide variant.
Coding change: c.2114C>T on transcript NM_004655.4 (MANE Select); coding-DNA position 2114, C replaced by T.
Protein change: p.Ala705Val; replaces alanine 705 with valine.
Molecular consequence: missense variant.
Genome position (GRCh38, 1-based): chr17:65,536,347, G>A on the plus strand (C>T on the coding strand, the complement: AXIN2 is on the minus strand). VCF-style: chr17-65536347-G-A. GRCh37 (hg19) VCF-style: chr17-63532465-G-A.
Other names: c.2114C>T (LRG_296t1); c.1919C>T, p.Ala640Val (NM_001363813.1); short protein forms A640V, A705V.
Identifiers: ClinVar variation 657360 (VCV000657360.6), dbSNP rs1598096612, ClinGen allele CA400675958.